The following is an entry in ClinVar:

ClinVar aggregate classification (germline): Benign/Likely benign. Review status: criteria provided, multiple submitters, no conflicts (2 of 4 stars). 5 submissions from 5 submitters: Benign (2); Likely benign (3). Last evaluated 2026-02-02.

Conditions:
Fanconi anemia (FA). Also called: Fanconi's anemia. Identifiers: Orphanet 84, MedGen C0015625, MeSH D005199, MONDO:0019391.

Allele frequency attached by ClinVar (database versions not stated): gnomAD exomes 0.00026 and 0.00072; ExAC 0.00077; ESP Exome Variant Server 0.00212; gnomAD 0.00283 and 0.00307; TOPMed 0.00315; 1000 Genomes Project 30x 0.00328; 1000 Genomes Project 0.00339.
gnomAD v4.1: 834 of 1,599,442 alleles (0.052%); highest among the groups gnomAD compares: African/African-American, 0.94%; 1 homozygote.

Submissions (5):

Labcorp Genetics (formerly Invitae), Labcorp
Classification: Benign for Fanconi anemia. Last evaluated: 2026-02-02. Review status: criteria provided, single submitter. Criteria: Invitae Variant Classification Sherloc (09022015). Collection method: clinical testing. Allele origin: germline.

Blueprint Genetics
Classification: Likely benign. Last evaluated: 2024-10-03. Review status: criteria provided, single submitter. Criteria: ACMG Guidelines, 2015. Collection method: clinical testing. Allele origin: germline.

CeGaT Center for Human Genetics Tuebingen
Classification: Likely benign. Last evaluated: 2024-09-01. Review status: criteria provided, single submitter. Criteria: CeGaT Center For Human Genetics Tuebingen Variant Classification Criteria Version 2. Collection method: clinical testing. Allele origin: germline. Affected: yes. Observed: 1 variant allele.
Comment: SLX4: BP4, BS1

Sema4
Classification: Likely benign for Fanconi anemia. Last evaluated: 2021-04-23. Review status: criteria provided, single submitter. Criteria: Sema4 Curation Guidelines. Collection method: curation. Allele origin: germline.

Genetic Services Laboratory, University of Chicago
Classification: Benign. Last evaluated: 2019-06-11. Review status: criteria provided, single submitter. Criteria: ACMG Guidelines, 2015. Collection method: clinical testing. Allele origin: germline. Affected: no.

NM_032444.4(SLX4):c.4241C>T (p.Pro1414Leu)

Gene: SLX4 (SLX4 structure-specific endonuclease subunit; minus strand). Cytogenetic location: 16p13.3.
Variant type: single nucleotide variant.
Coding change: c.4241C>T on transcript NM_032444.4 (MANE Select); coding-DNA position 4241, C replaced by T.
Protein change: p.Pro1414Leu; replaces proline 1414 with leucine.
Molecular consequence: missense variant.
Genome position (GRCh38, 1-based): chr16:3,589,397, G>A on the plus strand (C>T on the coding strand, the complement: SLX4 is on the minus strand). VCF-style: chr16-3589397-G-A. GRCh37 (hg19) VCF-style: chr16-3639398-G-A.
Other names: c.4241C>T (LRG_503t1); short protein forms P1414L.
Identifiers: ClinVar variation 212219 (VCV000212219.32), dbSNP rs140892471, ClinGen allele CA209048.